The following is an entry in ClinVar:

NM_054012.4(ASS1):c.597+178G>A

Gene: ASS1 (argininosuccinate synthase 1; plus strand). Cytogenetic location: 9q34.11.
Variant type: single nucleotide variant.
Coding change: c.597+178G>A on transcript NM_054012.4 (MANE Select); 178 bases into the intron after coding-DNA position 597, G replaced by A.
Molecular consequence: intron variant.
Genome position (GRCh38, 1-based): chr9:130,471,693, G>A. VCF-style: chr9-130471693-G-A. GRCh37 (hg19) VCF-style: chr9-133347080-G-A.
Other names: c.597+178G>A (NM_000050.4).
Identifiers: ClinVar variation 683317 (VCV000683317.5), dbSNP rs486889, ClinGen allele CA13020935.

ClinVar aggregate classification (germline): Benign. Review status: criteria provided, multiple submitters, no conflicts (2 of 4 stars). 3 submissions from 3 submitters: Benign (3). Last evaluated 2021-07-01.

Conditions:
Citrullinemia type I (CTNL1). Also called: ASS DEFICIENCY; argininosuccinate synthetase deficiency. Identifiers: Orphanet 247525, MedGen C4721769, MONDO:0008988, OMIM 215700.

Allele frequency attached by ClinVar (database versions not stated): TOPMed 0.56220; gnomAD 0.57370; 1000 Genomes Project 0.60663.
gnomAD v4.1: 87,368 of 149,844 alleles (58%); highest among the groups gnomAD compares: East Asian, 97%; 29,887 homozygotes.

Submissions (3):

Genome-Nilou Lab
Classification: Benign for Citrullinemia type I. Last evaluated: 2021-07-01. Review status: criteria provided, single submitter. Criteria: ACMG Guidelines, 2015. Collection method: clinical testing. Allele origin: germline. Affected: no.

GeneDx
Classification: Benign. Last evaluated: 2018-06-14. Review status: criteria provided, single submitter. Criteria: GeneDx Variant Classification (06012015). Collection method: clinical testing. Allele origin: germline. Affected: yes.
Comment: This variant is considered likely benign or benign based on one or more of the following criteria: it is a conservative change, it occurs at a poorly conserved position in the protein, it is predicted to be benign by multiple in silico algorithms, and/or has population frequency not consistent with disease.

Breakthrough Genomics
Classification: Benign. Review status: criteria provided, single submitter. Criteria: ACMG Guidelines, 2015. Collection method: not provided. Allele origin: germline. Inheritance: Autosomal recessive inheritance. Affected: yes.